The following is an entry in ClinVar:

NM_000287.4(PEX6):c.1396G>A (p.Val466Ile)

Gene: PEX6 (peroxisomal biogenesis factor 6; minus strand). Cytogenetic location: 6p21.1.
Variant type: single nucleotide variant.
Coding change: c.1396G>A on transcript NM_000287.4 (MANE Select); coding-DNA position 1396, G replaced by A.
Protein change: p.Val466Ile; replaces valine 466 with isoleucine.
Molecular consequence: missense variant. On other transcripts: non-coding transcript variant (1).
Genome position (GRCh38, 1-based): chr6:42,968,957, C>T on the plus strand (G>A on the coding strand, the complement: PEX6 is on the minus strand). VCF-style: chr6-42968957-C-T. GRCh37 (hg19) VCF-style: chr6-42936695-C-T.
Other names: c.1132G>A, p.Val378Ile (NM_001316313.2); short protein forms V378I, V466I.
Identifiers: ClinVar variation 2419612 (VCV002419612.3), dbSNP rs760806697, ClinGen allele CA3811335.

ClinVar aggregate classification (germline): Uncertain significance (1 of 4 stars; one submission).

Conditions:
Peroxisome biogenesis disorder. Identifiers: Orphanet 79189, MedGen C1832200, MONDO:0019234. Disease mechanism: loss of function.

Allele frequency attached by ClinVar (database versions not stated): gnomAD exomes below 0.00001; ExAC 0.00001.
gnomAD v4.1: 1 of 1,613,814 alleles (0.000062%); highest among the groups gnomAD compares: South Asian, 0.0011%; no homozygotes.

Submission:

Labcorp Genetics (formerly Invitae), Labcorp
Classification: Uncertain significance for Peroxisome biogenesis disorder. Last evaluated: 2021-12-02. Review status: criteria provided, single submitter. Criteria: Invitae Variant Classification Sherloc (09022015). Collection method: clinical testing. Allele origin: germline.
Comment: In summary, the available evidence is currently insufficient to determine the role of this variant in disease. Therefore, it has been classified as a Variant of Uncertain Significance. Algorithms developed to predict the effect of missense changes on protein structure and function (SIFT, PolyPhen-2, Align-GVGD) all suggest that this variant is likely to be tolerated. This variant has not been reported in the literature in individuals affected with PEX6-related conditions. This variant is present in population databases (rs760806697, gnomAD 0.003%). This sequence change replaces valine, which is neutral and non-polar, with isoleucine, which is neutral and non-polar, at codon 466 of the PEX6 protein (p.Val466Ile).